The following is an entry in ClinVar:

ClinVar aggregate classification (germline): Uncertain significance. Review status: criteria provided, multiple submitters, no conflicts (2 of 4 stars). 2 submissions from 2 submitters: Uncertain significance (2). Last evaluated 2026-04-22.

Conditions:
Inborn genetic diseases. Identifiers: MedGen C0950123, MeSH D030342.
Glycogen storage disease type III (GSD3). Also called: Cori disease; FORBES DISEASE. Identifiers: Orphanet 366, MedGen C0017922, MONDO:0009291, OMIM 232400.

Allele frequency attached by ClinVar (database versions not stated): gnomAD exomes 0.00004; ExAC 0.00006; TOPMed 0.00008; gnomAD 0.00004; 1000 Genomes Project 0.00020; 1000 Genomes Project 30x 0.00031.
gnomAD v4.1: 64 of 1,613,076 alleles (0.004%); highest among the groups gnomAD compares: East Asian, 0.069%; no homozygotes.

Submissions (2):

Ambry Genetics
Classification: Uncertain significance for Inborn genetic diseases. Last evaluated: 2026-04-22. Review status: criteria provided, single submitter. Criteria: Ambry Variant Classification Scheme 2023. Collection method: clinical testing. Allele origin: germline.

Labcorp Genetics (formerly Invitae), Labcorp
Classification: Uncertain significance for Glycogen storage disease type III. Last evaluated: 2022-09-27. Review status: criteria provided, single submitter. Criteria: Invitae Variant Classification Sherloc (09022015). Collection method: clinical testing. Allele origin: germline.
Comment: This sequence change replaces arginine, which is basic and polar, with glutamine, which is neutral and polar, at codon 1487 of the AGL protein (p.Arg1487Gln). This variant is present in population databases (rs185681971, gnomAD 0.05%). This variant has not been reported in the literature in individuals affected with AGL-related conditions. Advanced modeling of protein sequence and biophysical properties (such as structural, functional, and spatial information, amino acid conservation, physicochemical variation, residue mobility, and thermodynamic stability) performed at Invitae indicates that this missense variant is not expected to disrupt AGL protein function. In summary, the available evidence is currently insufficient to determine the role of this variant in disease. Therefore, it has been classified as a Variant of Uncertain Significance.

NM_000642.3(AGL):c.4460G>A (p.Arg1487Gln)

Gene: AGL (amylo-alpha-1,6-glucosidase and 4-alpha-glucanotransferase; plus strand). Cytogenetic location: 1p21.2.
Variant type: single nucleotide variant.
Coding change: c.4460G>A on transcript NM_000642.3 (MANE Select); coding-DNA position 4460, G replaced by A.
Protein change: p.Arg1487Gln; replaces arginine 1487 with glutamine.
Molecular consequence: missense variant.
Genome position (GRCh38, 1-based): chr1:99,916,710, G>A. VCF-style: chr1-99916710-G-A. GRCh37 (hg19) VCF-style: chr1-100382266-G-A.
Other names: c.4460G>A (NM_000642.2); c.4460G>A, p.Arg1487Gln (NM_000028.3, NM_000643.3, NM_000644.3 and 1 more transcripts); c.4412G>A, p.Arg1471Gln (NM_000646.3); c.4439G>A, p.Arg1480Gln (NM_001425326.1); c.4259G>A, p.Arg1420Gln (NM_001425327.1); c.4256G>A, p.Arg1419Gln (NM_001425328.1); c.4121G>A, p.Arg1374Gln (NM_001425329.1); c.4082G>A, p.Arg1361Gln (NM_001425332.1); short protein forms R1487Q, R1471Q, R1361Q, R1374Q, R1419Q, R1420Q, R1480Q.
Identifiers: ClinVar variation 2037631 (VCV002037631.2), dbSNP rs185681971, ClinGen allele CA967445.